The following is an entry in ClinVar:

NM_001378454.1(ALMS1):c.3764A>G (p.Asp1255Gly)

Gene: ALMS1 (ALMS1 centrosome and basal body associated protein; plus strand). Cytogenetic location: 2p13.1.
Variant type: single nucleotide variant.
Coding change: c.3764A>G on transcript NM_001378454.1 (MANE Select); coding-DNA position 3764, A replaced by G.
Protein change: p.Asp1255Gly; replaces aspartic acid 1255 with glycine.
Molecular consequence: missense variant.
Genome position (GRCh38, 1-based): chr2:73,450,291, A>G. VCF-style: chr2-73450291-A-G. GRCh37 (hg19) VCF-style: chr2-73677418-A-G.
Other names: c.3767A>G, p.Asp1256Gly (NM_015120.4); short protein forms D1256G, D1255G.
Identifiers: ClinVar variation 579810 (VCV000579810.10), dbSNP rs773586990, ClinGen allele CA50392837.
Genomic context (GRCh38, chr2:73,450,291, plus strand): 5'-CCTCTGCTTCTTACTCACACACAGAGAAGCCTGGTATTTTCTACCAACAGGTCTTGCCAG[A>G]TAATCATCCAACTGAAGAGGCTCTGAAAATTTCAGTTGCCTCTGAACCAGTTGACCAGAC-3'
Protein context (NP_001365383.1, residues 1245-1265): PGIFYQQVLP[Asp1255Gly]NHPTEEALKI

ClinVar aggregate classification (germline): Uncertain significance. Review status: criteria provided, multiple submitters, no conflicts (2 of 4 stars). 4 submissions from 4 submitters: Uncertain significance (3). 1 of the submissions does not count toward it. Last evaluated 2026-04-06.

Conditions:
Alstrom syndrome (ALMS). Identifiers: Orphanet 64, MedGen C0268425, MONDO:0008763, OMIM 203800.

Allele frequency attached by ClinVar (database versions not stated): gnomAD exomes 0.00001.
gnomAD v4.1: 26 of 1,613,904 alleles (0.0016%); highest among the groups gnomAD compares: South Asian, 0.0022%; no homozygotes.

Submissions (4):

GeneDx
Classification: Uncertain significance. Last evaluated: 2026-04-06. Review status: criteria provided, single submitter. Criteria: GeneDx Variant Classification Process June 2021. Collection method: clinical testing. Allele origin: germline.
Comment: Not observed at significant frequency in large population cohorts (gnomAD); In silico analysis suggests that this missense variant does not alter protein structure/function; Has not been previously published as pathogenic or benign to our knowledge

Labcorp Genetics (formerly Invitae), Labcorp
Classification: Uncertain significance for Alstrom syndrome. Last evaluated: 2022-05-10. Review status: criteria provided, single submitter. Criteria: Invitae Variant Classification Sherloc (09022015). Collection method: clinical testing. Allele origin: germline.
Comment: This sequence change replaces aspartic acid, which is acidic and polar, with glycine, which is neutral and non-polar, at codon 1256 of the ALMS1 protein (p.Asp1256Gly). This variant is present in population databases (rs773586990, gnomAD 0.002%). This variant has not been reported in the literature in individuals affected with ALMS1-related conditions. ClinVar contains an entry for this variant (Variation ID: 579810). Experimental studies and prediction algorithms are not available or were not evaluated, and the functional significance of this variant is currently unknown. In summary, the available evidence is currently insufficient to determine the role of this variant in disease. Therefore, it has been classified as a Variant of Uncertain Significance.

Blueprint Genetics
Classification: Uncertain significance. Last evaluated: 2021-09-23. Review status: criteria provided, single submitter. Criteria: ACMG Guidelines, 2015. Collection method: clinical testing. Allele origin: germline.

Natera, Inc.
Classification: Uncertain significance for Alstrom syndrome. Last evaluated: 2020-10-06. Review status: no assertion criteria provided. Collection method: clinical testing. Allele origin: germline. Not counted in ClinVar's aggregate classification.